The following is an entry in ClinVar:

ClinVar aggregate classification (germline): Uncertain significance. Review status: criteria provided, multiple submitters, no conflicts (2 of 4 stars). 3 submissions from 3 submitters: Uncertain significance (3). Last evaluated 2025-03-29.

Conditions:
Hereditary cancer-predisposing syndrome. Also called: Hereditary Cancer Syndrome; Tumor predisposition; Hereditary neoplastic syndrome; Neoplastic Syndromes, Hereditary. Identifiers: Orphanet 140162, MedGen C0027672, MeSH D009386, MONDO:0015356.
Ataxia-telangiectasia syndrome (AT). Also called: AT, COMPLEMENTATION GROUP C; Ataxia-telangiectasia, complementation group D; ATAXIA-TELANGIECTASIA, COMPLEMENTATION GROUP A; ATAXIA-TELANGIECTASIA, FRESNO VARIANT; Ataxia-telangiectasia; Ataxia telangiectasia (A-T). Identifiers: Orphanet 100, MedGen C0004135, MONDO:0008840, OMIM 208900.

Submissions (3):

Ambry Genetics
Classification: Uncertain significance for Hereditary cancer-predisposing syndrome. Last evaluated: 2025-03-29. Review status: criteria provided, single submitter. Criteria: Ambry Variant Classification Scheme 2023. Collection method: clinical testing. Allele origin: germline.
Comment: The p.E347D variant (also known as c.1041A>T), located in coding exon 7 of the ATM gene, results from an A to T substitution at nucleotide position 1041. The glutamic acid at codon 347 is replaced by aspartic acid, an amino acid with highly similar properties. This amino acid position is conserved. In addition, this alteration is predicted to be tolerated by in silico analysis. Based on the available evidence, the clinical significance of this variant remains unclear.

Labcorp Genetics (formerly Invitae), Labcorp
Classification: Uncertain significance for Ataxia-telangiectasia syndrome. Last evaluated: 2023-07-29. Review status: criteria provided, single submitter. Criteria: Invitae Variant Classification Sherloc (09022015). Collection method: clinical testing. Allele origin: germline.
Comment: In summary, the available evidence is currently insufficient to determine the role of this variant in disease. Therefore, it has been classified as a Variant of Uncertain Significance. Algorithms developed to predict the effect of missense changes on protein structure and function output the following: SIFT: "Not Available"; PolyPhen-2: "Benign"; Align-GVGD: "Not Available". The aspartic acid amino acid residue is found in multiple mammalian species, which suggests that this missense change does not adversely affect protein function. This variant has not been reported in the literature in individuals affected with ATM-related conditions. This variant is not present in population databases (gnomAD no frequency). This sequence change replaces glutamic acid, which is acidic and polar, with aspartic acid, which is acidic and polar, at codon 347 of the ATM protein (p.Glu347Asp).

GeneDx
Classification: Uncertain significance. Last evaluated: 2023-06-06. Review status: criteria provided, single submitter. Criteria: GeneDx Variant Classification Process June 2021. Collection method: clinical testing. Allele origin: germline. Affected: yes.
Comment: Not observed at significant frequency in large population cohorts (gnomAD); In silico analysis supports that this missense variant does not alter protein structure/function; Has not been previously published as pathogenic or benign to our knowledge

NM_000051.4(ATM):c.1041A>T (p.Glu347Asp)

Gene: ATM (ATM serine/threonine kinase; plus strand). Cytogenetic location: 11q22.3.
Variant type: single nucleotide variant.
Coding change: c.1041A>T on transcript NM_000051.4 (MANE Select); coding-DNA position 1041, A replaced by T.
Protein change: p.Glu347Asp; replaces glutamic acid 347 with aspartic acid.
Molecular consequence: missense variant.
Genome position (GRCh38, 1-based): chr11:108,247,103, A>T. VCF-style: chr11-108247103-A-T. GRCh37 (hg19) VCF-style: chr11-108117830-A-T.
Other names: c.1041A>T, p.Glu347Asp (NM_001351834.2); short protein forms E347D.
Identifiers: ClinVar variation 2747992 (VCV002747992.5), dbSNP rs2135268758, ClinGen allele CA382531698.